The following is an entry in ClinVar:

NM_017534.6(MYH2):c.5805A>T (p.Thr1935=)

Genes: MYH2 (myosin heavy chain 2; minus strand), MYHAS (myosin heavy chain gene cluster antisense RNA; plus strand). Cytogenetic location: 17p13.1.
Variant type: single nucleotide variant.
Coding change: c.5805A>T on transcript NM_017534.6 (MANE Select); coding-DNA position 5805, A replaced by T.
Protein change: p.Thr1935=; no amino-acid change (threonine 1935 retained).
Molecular consequence: synonymous variant.
Genome position (GRCh38, 1-based): chr17:10,521,301, T>A on the plus strand (A>T on the coding strand, the complement: MYH2 is on the minus strand). VCF-style: chr17-10521301-T-A. GRCh37 (hg19) VCF-style: chr17-10424618-T-A.
Other names: c.5805A>T, p.Thr1935= (NM_001100112.2).
Identifiers: ClinVar variation 3036126 (VCV003036126.2), dbSNP rs1450606132, ClinGen allele CA497850360.

ClinVar aggregate classification (germline): Likely benign (0 of 4 stars; one submission).

Conditions:
MYH2-related disorder. Also called: MYH2-related condition.

Submission:

PreventionGenetics, part of Exact Sciences
Classification: Likely benign for MYH2-related condition. Last evaluated: 2020-07-22. Review status: no assertion criteria provided. Collection method: clinical testing. Allele origin: germline.
Comment: This variant is classified as likely benign based on ACMG/AMP sequence variant interpretation guidelines (Richards et al. 2015 PMID: 25741868, with internal and published modifications).